The following is an entry in ClinVar:

NM_152564.5(VPS13B):c.356C>G (p.Ser119Ter)

Gene: VPS13B (vacuolar protein sorting 13 homolog B; plus strand). Cytogenetic location: 8q22.2.
Variant type: single nucleotide variant.
Coding change: c.356C>G on transcript NM_152564.5 (MANE Select); coding-DNA position 356, C replaced by G.
Protein change: p.Ser119Ter; replaces serine 119 with a stop codon.
Molecular consequence: nonsense. On other transcripts: non-coding transcript variant (1).
Genome position (GRCh38, 1-based): chr8:99,096,376, C>G. VCF-style: chr8-99096376-C-G. GRCh37 (hg19) VCF-style: chr8-100108604-C-G.
Other names: c.356C>G, p.Ser119Ter (NM_015243.3, NM_017890.5, NM_181661.3); short protein forms S119*.
Identifiers: ClinVar variation 4815947 (VCV004815947.1).

ClinVar aggregate classification (germline): Likely pathogenic (1 of 4 stars; one submission).

Conditions:
Cohen syndrome (COH1). Also called: PEPPER SYNDROME; Cutis verticis gyrata, retinitis pigmentosa, and sensorineural deafness. Identifiers: Orphanet 193, MedGen C0265223, MONDO:0008999, OMIM 216550.

Submission:

Natera, Inc.
Classification: Likely pathogenic for Cohen syndrome. Last evaluated: 2024-05-03. Review status: criteria provided, single submitter. Criteria: Natera Variant Classification Schema (03/2026). Collection method: clinical testing. Allele origin: germline.
Comment: The c.356C>G variant in VPS13B is a nonsense variant predicted to introduce a stop codon at amino acid 119. This variant is expected to result in nonsense mediated decay, truncation, or a dysfunctional protein product. This variant is rare in the general population with a frequency below the threshold expected for the associated phenotype(s). Given the available evidence, this variant is classified as Likely Pathogenic.